The following is an entry in ClinVar:

NM_017934.7(PHIP):c.2952T>C (p.Tyr984=)

Genes: IRAK1BP1 (interleukin 1 receptor associated kinase 1 binding protein 1; plus strand), PHIP (PHIP subunit of CUL4-Ring ligase complex; minus strand). Cytogenetic location: 6q14.1.
Variant type: single nucleotide variant.
Coding change: c.2952T>C on transcript NM_017934.7 (MANE Select); coding-DNA position 2952, T replaced by C.
Protein change: p.Tyr984=; no amino-acid change (tyrosine 984 retained).
Molecular consequence: synonymous variant.
Genome position (GRCh38, 1-based): chr6:78,970,826, A>G on the plus strand (T>C on the coding strand, the complement: PHIP is on the minus strand). VCF-style: chr6-78970826-A-G. GRCh37 (hg19) VCF-style: chr6-79680543-A-G.
Identifiers: ClinVar variation 3355012 (VCV003355012.1).
Genomic context (GRCh38, chr6:78,970,826, plus strand): 5'-AAATCAATGTCATACCCGTAGCTCCATTTTATGCCATGGTTGTTTTTTGGGATTGATACT[A>G]TATATTTTATTTTTCCGGGCCATTTCGACATAGGCTTCATGTCCTTGTCGGAAATAATAA-3'
Protein context (NP_060404.4, residues 974-994): YVEMARKNKI[Tyr984=]SINPKKQPWH

ClinVar aggregate classification (germline): Likely benign (0 of 4 stars; one submission).

Conditions:
PHIP-related disorder. Also called: PHIP-related condition; PHIP-related disorders.

gnomAD v4.1: 2 of 1,612,040 alleles (0.00012%); highest among the groups gnomAD compares: Admixed American, 0.0033%; no homozygotes.

Submission:

PreventionGenetics, part of Exact Sciences
Classification: Likely benign for PHIP-related condition. Last evaluated: 2021-12-13. Review status: no assertion criteria provided. Collection method: clinical testing. Allele origin: germline.
Comment: This variant is classified as likely benign based on ACMG/AMP sequence variant interpretation guidelines (Richards et al. 2015 PMID: 25741868, with internal and published modifications).